The following is an entry in ClinVar:

ClinVar aggregate classification (germline): Uncertain significance (1 of 4 stars; one submission).

gnomAD v4.1: 11 of 1,228,854 alleles (0.0009%); highest among the groups gnomAD compares: South Asian, 0.0036%; no homozygotes.

Submission:

Labcorp Genetics (formerly Invitae), Labcorp
Classification: Uncertain significance. Last evaluated: 2025-09-21. Review status: criteria provided, single submitter. Criteria: Invitae Variant Classification Sherloc (09022015). Collection method: clinical testing. Allele origin: germline.
Comment: This sequence change replaces alanine, which is neutral and non-polar, with valine, which is neutral and non-polar, at codon 121 of the IRF2BP2 protein (p.Ala121Val). This variant is not present in population databases (gnomAD no frequency). This variant has not been reported in the literature in individuals affected with IRF2BP2-related conditions. An algorithm developed to predict the effect of missense changes on protein structure and function (PolyPhen-2) suggests that this variant is likely to be disruptive. In summary, the available evidence is currently insufficient to determine the role of this variant in disease. Therefore, it has been classified as a Variant of Uncertain Significance.

NM_182972.3(IRF2BP2):c.362C>T (p.Ala121Val)

Genes: IRF2BP2 (interferon regulatory factor 2 binding protein 2; minus strand), LOC129932812 (ATAC-STARR-seq lymphoblastoid silent region 1977; plus strand). Cytogenetic location: 1q42.3.
Variant type: single nucleotide variant.
Coding change: c.362C>T on transcript NM_182972.3 (MANE Select); coding-DNA position 362, C replaced by T.
Protein change: p.Ala121Val; replaces alanine 121 with valine.
Molecular consequence: missense variant.
Genome position (GRCh38, 1-based): chr1:234,609,133, G>A on the plus strand (C>T on the coding strand, the complement: IRF2BP2 is on the minus strand). VCF-style: chr1-234609133-G-A. GRCh37 (hg19) VCF-style: chr1-234744879-G-A.
Other names: c.362C>T, p.Ala121Val (NM_001077397.1); short protein forms A121V.
Identifiers: ClinVar variation 4694224 (VCV004694224.1).